The following is an entry in ClinVar:

NM_001134363.3(RBM20):c.67G>T (p.Ala23Ser)

Gene: RBM20 (RNA binding motif protein 20; plus strand). Cytogenetic location: 10q25.2.
Variant type: single nucleotide variant.
Coding change: c.67G>T on transcript NM_001134363.3 (MANE Select); coding-DNA position 67, G replaced by T.
Protein change: p.Ala23Ser; replaces alanine 23 with serine.
Molecular consequence: missense variant.
Genome position (GRCh38, 1-based): chr10:110,644,521, G>T. VCF-style: chr10-110644521-G-T. GRCh37 (hg19) VCF-style: chr10-112404279-G-T.
Other names: short protein forms A23S.
Identifiers: ClinVar variation 3705025 (VCV003705025.1).

ClinVar aggregate classification (germline): Uncertain significance (1 of 4 stars; one submission).

Conditions:
Dilated cardiomyopathy 1DD (CMD1DD). Identifiers: Orphanet 154, MedGen C2750995, MONDO:0013168, OMIM 613172.

Submission:

Labcorp Genetics (formerly Invitae), Labcorp
Classification: Uncertain significance for Dilated cardiomyopathy 1DD. Last evaluated: 2024-10-31. Review status: criteria provided, single submitter. Criteria: Invitae Variant Classification Sherloc (09022015). Collection method: clinical testing. Allele origin: germline.
Comment: This sequence change replaces alanine, which is neutral and non-polar, with serine, which is neutral and polar, at codon 23 of the RBM20 protein (p.Ala23Ser). This variant is not present in population databases (gnomAD no frequency). This variant has not been reported in the literature in individuals affected with RBM20-related conditions. Invitae Evidence Modeling of protein sequence and biophysical properties (such as structural, functional, and spatial information, amino acid conservation, physicochemical variation, residue mobility, and thermodynamic stability) indicates that this missense variant is not expected to disrupt RBM20 protein function with a negative predictive value of 95%. In summary, the available evidence is currently insufficient to determine the role of this variant in disease. Therefore, it has been classified as a Variant of Uncertain Significance.